The following is an entry in ClinVar:

NM_014423.4(AFF4):c.566C>T (p.Ser189Leu)

Gene: AFF4 (ALF transcription elongation factor 4; minus strand). Cytogenetic location: 5q31.1.
Variant type: single nucleotide variant.
Coding change: c.566C>T on transcript NM_014423.4 (MANE Select); coding-DNA position 566, C replaced by T.
Protein change: p.Ser189Leu; replaces serine 189 with leucine.
Molecular consequence: missense variant.
Genome position (GRCh38, 1-based): chr5:132,934,499, G>A on the plus strand (C>T on the coding strand, the complement: AFF4 is on the minus strand). VCF-style: chr5-132934499-G-A. GRCh37 (hg19) VCF-style: chr5-132270191-G-A.
Other names: short protein forms S189L.
Identifiers: ClinVar variation 4990839 (VCV004990839.1).

ClinVar aggregate classification (germline): Uncertain significance (1 of 4 stars; one submission).

Conditions:
AFF4-related disorder. Also called: AFF4-related condition.

Submission:

PreventionGenetics, part of Exact Sciences
Classification: Uncertain significance for AFF4-related condition. Last evaluated: 2025-09-03. Review status: criteria provided, single submitter. Criteria: ACMG Guidelines, 2015. Collection method: clinical testing. Allele origin: germline.
Comment: The AFF4 c.566C>T variant is predicted to result in the amino acid substitution p.Ser189Leu. To our knowledge, this variant has not been reported in the literature or in a large population database (gnomAD), indicating this variant is rare. At this time, the clinical significance of this variant is uncertain due to the absence of conclusive functional and genetic evidence.